The following is an entry in ClinVar:

ClinVar aggregate classification (germline): Pathogenic (1 of 4 stars; one submission).

Conditions:
Cardiovascular phenotype. Identifiers: MedGen CN230736.

Submission:

Ambry Genetics
Classification: Pathogenic for Cardiovascular phenotype. Last evaluated: 2024-07-16. Review status: criteria provided, single submitter. Criteria: Ambry Variant Classification Scheme 2023. Collection method: clinical testing. Allele origin: germline.
Comment: The c.496_497dupCG pathogenic mutation, located in coding exon 2 of the LMNA gene, results from a duplication of CG at nucleotide position 496, causing a translational frameshift with a predicted alternate stop codon (p.Q168Afs*10). This variant is considered to be rare based on population cohorts in the Genome Aggregation Database (gnomAD). This alteration is expected to result in loss of function by premature protein truncation or nonsense-mediated mRNA decay. As such, this alteration is interpreted as a disease-causing mutation.

NM_170707.4(LMNA):c.496_497dup (p.Gln168fs)

Genes: LMNA (lamin A/C; plus strand), LOC126805877 (MED14-independent group 3 enhancer GRCh37_chr1:156099693-156100892; plus strand). Cytogenetic location: 1q22.
Variant type: Duplication.
Coding change: c.496_497dup on transcript NM_170707.4 (MANE Select); coding-DNA positions 496 to 497, 2 bases duplicated (CG; older notation c.496_497dupCG).
Protein change: p.Gln168fs; shifts the reading frame from glutamine 168.
Molecular consequence: frameshift variant. On other transcripts: 5 prime UTR variant (7), intron variant (4).
Genome position (GRCh38, 1-based): chr1:156,130,756-156,130,757, CG duplicated; duplicating any 2 consecutive bases within chr1:156,130,755-156,130,757 gives the same sequence; the c. name uses the placement nearest the transcript's 3' end. VCF-style (leftmost placement, unchanged base first): chr1-156130754-T-TGC. GRCh37 (hg19) VCF-style: chr1-156100545-T-TGC.
Other names: c.160_161dup, p.Gln56fs (NM_001257374.3, NM_001406989.1, NM_001406998.1); c.253_254dup, p.Gln87fs (NM_001282624.2, NM_001406986.1, NM_001406987.1); c.496_497dup, p.Gln168fs (NM_001282625.2, NM_001282626.2, NM_001406983.1 and 6 more transcripts); c.199_200dup, p.Gln69fs (NM_001406988.1); c.-63_-62dup (NM_001406993.1, NM_001406996.1, NM_001406997.1 and 1 more transcripts); c.-169_-168dup (NM_001406994.1, NM_001406999.1, NM_001407000.1); c.-45-3647_-45-3646dup (NM_001407002.1, NM_001406995.1, NM_001406990.1); c.-151-3647_-151-3646dup (NM_001407001.1); and 1 more; short protein forms Q69fs, Q87fs, Q168fs, Q56fs.
Identifiers: ClinVar variation 3538715 (VCV003538715.1).